The following is an entry in ClinVar:

NM_001206999.2(CIT):c.1214G>T (p.Ser405Ile)

Gene: CIT (citron rho-interacting serine/threonine kinase; minus strand). Cytogenetic location: 12q24.23.
Variant type: single nucleotide variant.
Coding change: c.1214G>T on transcript NM_001206999.2 (MANE Select); coding-DNA position 1214, G replaced by T.
Protein change: p.Ser405Ile; replaces serine 405 with isoleucine.
Molecular consequence: missense variant.
Genome position (GRCh38, 1-based): chr12:119,803,287, C>A on the plus strand (G>T on the coding strand, the complement: CIT is on the minus strand). VCF-style: chr12-119803287-C-A. GRCh37 (hg19) VCF-style: chr12-120241091-C-A.
Other names: c.1214G>T, p.Ser405Ile (NM_007174.3); short protein forms S405I.
Identifiers: ClinVar variation 1306490 (VCV001306490.3), dbSNP rs139829821, ClinGen allele CA6822162.

ClinVar aggregate classification (germline): Uncertain significance. Review status: criteria provided, multiple submitters, no conflicts (2 of 4 stars). 2 submissions from 2 submitters: Uncertain significance (2). Last evaluated 2025-08-05.

Conditions:
Inborn genetic diseases. Identifiers: MedGen C0950123, MeSH D030342.

Allele frequency attached by ClinVar (database versions not stated): gnomAD exomes 0.00008; ExAC 0.00010; ESP Exome Variant Server 0.00031; TOPMed 0.00045; 1000 Genomes Project 0.00060; 1000 Genomes Project 30x 0.00062.
gnomAD v4.1: 101 of 1,610,434 alleles (0.0063%); highest among the groups gnomAD compares: African/African-American, 0.13%; no homozygotes.

Submissions (2):

Ambry Genetics
Classification: Uncertain significance for Inborn genetic diseases. Last evaluated: 2025-08-05. Review status: criteria provided, single submitter. Criteria: Ambry Variant Classification Scheme 2023. Collection method: clinical testing. Allele origin: germline.

GeneDx
Classification: Uncertain significance. Last evaluated: 2019-06-14. Review status: criteria provided, single submitter. Criteria: GeneDx Variant Classification Process June 2021. Collection method: clinical testing. Allele origin: germline. Affected: yes.
Comment: In silico analysis, which includes protein predictors and evolutionary conservation, supports that this variant does not alter protein structure/function; Has not been previously published as pathogenic or benign to our knowledge